The following is an entry in ClinVar:

NM_152490.5(B3GALNT2):c.1216G>A (p.Ala406Thr)

Gene: B3GALNT2 (beta-1,3-N-acetylgalactosaminyltransferase 2; minus strand). Cytogenetic location: 1q42.3.
Variant type: single nucleotide variant.
Coding change: c.1216G>A on transcript NM_152490.5 (MANE Select); coding-DNA position 1216, G replaced by A.
Protein change: p.Ala406Thr; replaces alanine 406 with threonine.
Molecular consequence: missense variant.
Genome position (GRCh38, 1-based): chr1:235,454,251, C>T on the plus strand (G>A on the coding strand, the complement: B3GALNT2 is on the minus strand). VCF-style: chr1-235454251-C-T. GRCh37 (hg19) VCF-style: chr1-235617563-C-T.
Other names: short protein forms A406T.
Identifiers: ClinVar variation 432871 (VCV000432871.6), dbSNP rs369079608, ClinGen allele CA1464650.

ClinVar aggregate classification (germline): Uncertain significance. Review status: criteria provided, multiple submitters, no conflicts (2 of 4 stars). 2 submissions from 2 submitters: Uncertain significance (2). Last evaluated 2022-07-06.

Conditions:
Muscular dystrophy-dystroglycanopathy (congenital with brain and eye anomalies), type a, 11 (MDDGA11). Also called: Muscular dystrophy-dystroglycanopathy (congenital with brain and eye anomalies, type A, 11; WALKER-WARBURG SYNDROME OR MUSCLE-EYE-BRAIN DISEASE, B3GALNT2-RELATED; Congenital muscular dystrophy-dystroglycanopathy with brain and eye anomalies, type A11. Identifiers: Orphanet 588, Orphanet 899, MedGen C3554638, MONDO:0014071, OMIM 615181.

Allele frequency attached by ClinVar (database versions not stated): gnomAD 0.00001; gnomAD exomes 0.00001 and 0.00002; TOPMed 0.00002; ExAC 0.00003; ESP Exome Variant Server 0.00008.
gnomAD v4.1: 18 of 1,612,946 alleles (0.0011%); highest among the groups gnomAD compares: East Asian, 0.0022%; no homozygotes.

Submissions (2):

Labcorp Genetics (formerly Invitae), Labcorp
Classification: Uncertain significance for Muscular dystrophy-dystroglycanopathy (congenital with brain and eye anomalies), type a, 11. Last evaluated: 2022-07-06. Review status: criteria provided, single submitter. Criteria: Invitae Variant Classification Sherloc (09022015). Collection method: clinical testing. Allele origin: germline.
Comment: This sequence change replaces alanine, which is neutral and non-polar, with threonine, which is neutral and polar, at codon 406 of the B3GALNT2 protein (p.Ala406Thr). This variant is present in population databases (rs369079608, gnomAD 0.004%). This variant has not been reported in the literature in individuals affected with B3GALNT2-related conditions. ClinVar contains an entry for this variant (Variation ID: 432871). Algorithms developed to predict the effect of missense changes on protein structure and function (SIFT, PolyPhen-2, Align-GVGD) all suggest that this variant is likely to be tolerated. In summary, the available evidence is currently insufficient to determine the role of this variant in disease. Therefore, it has been classified as a Variant of Uncertain Significance.

GeneDx
Classification: Uncertain significance. Last evaluated: 2017-06-16. Review status: criteria provided, single submitter. Criteria: GeneDx Variant Classification (06012015). Collection method: clinical testing. Allele origin: germline. Affected: yes.
Comment: A variant of uncertain significance has been identified in the B3GALNT2 gene. The A406T variant has not been published as a pathogenic variant, nor has it been reported as a benign variant to our knowledge. The A406T variant is not observed at a significant frequency in large population cohorts (Lek et al., 2016; 1000 Genomes Consortium et al., 2015; Exome Variant Server). The A406T variant is a non-conservative amino acid substitution, which is likely to impact secondary protein structure as these residues differ in polarity, charge, size and/or other properties. This substitution occurs at a position that is conserved across species. However, in silico analysis predicts this variant is probably damaging to the protein structure/function. Therefore, based on the currently available information, it is unclear whether this variant is a pathogenic variant or a rare benign variant.